The following is an entry in ClinVar:

NM_000876.4(IGF2R):c.1548T>C (p.Ile516=)

Gene: IGF2R (insulin like growth factor 2 receptor; plus strand). Cytogenetic location: 6q25.3.
Variant type: single nucleotide variant.
Coding change: c.1548T>C on transcript NM_000876.4 (MANE Select); coding-DNA position 1548, T replaced by C.
Protein change: p.Ile516=; no amino-acid change (isoleucine 516 retained).
Molecular consequence: synonymous variant.
Genome position (GRCh38, 1-based): chr6:160,043,215, T>C. VCF-style: chr6-160043215-T-C. GRCh37 (hg19) VCF-style: chr6-160464247-T-C.
Identifiers: ClinVar variation 2657100 (VCV002657100.24), dbSNP rs143677595, ClinGen allele CA4081657.

ClinVar aggregate classification (germline): Likely benign (1 of 4 stars; one submission).

Allele frequency attached by ClinVar (database versions not stated): gnomAD exomes 0.00019; TOPMed 0.00019; ESP Exome Variant Server 0.00023; ExAC 0.00024; gnomAD 0.00025.
gnomAD v4.1: 320 of 1,614,062 alleles (0.02%); highest among the groups gnomAD compares: Middle Eastern, 0.033%; no homozygotes.

Submission:

CeGaT Center for Human Genetics Tuebingen
Classification: Likely benign. Last evaluated: 2022-10-01. Review status: criteria provided, single submitter. Criteria: CeGaT Center For Human Genetics Tuebingen Variant Classification Criteria Version 2. Collection method: clinical testing. Allele origin: germline. Affected: yes. Observed: 1 variant allele.
Comment: IGF2R: BP4, BP7